The following is an entry in ClinVar:

NM_015466.4(PTPN23):c.3002C>T (p.Ala1001Val)

Gene: PTPN23 (protein tyrosine phosphatase non-receptor type 23; plus strand). Cytogenetic location: 3p21.31.
Variant type: single nucleotide variant.
Coding change: c.3002C>T on transcript NM_015466.4 (MANE Select); coding-DNA position 3002, C replaced by T.
Protein change: p.Ala1001Val; replaces alanine 1001 with valine.
Molecular consequence: missense variant.
Genome position (GRCh38, 1-based): chr3:47,410,800, C>T. VCF-style: chr3-47410800-C-T. GRCh37 (hg19) VCF-style: chr3-47452290-C-T.
Other names: c.2624C>T, p.Ala875Val (NM_001304482.2); short protein forms A1001V, A875V.
Identifiers: ClinVar variation 1407981 (VCV001407981.5), dbSNP rs771632590, ClinGen allele CA2366166.

ClinVar aggregate classification (germline): Uncertain significance (1 of 4 stars; one submission).

Allele frequency attached by ClinVar (database versions not stated): ExAC 0.00001; gnomAD exomes 0.00001; gnomAD 0.00003.
gnomAD v4.1: 14 of 1,583,696 alleles (0.00088%); highest among the groups gnomAD compares: South Asian, 0.0011%; no homozygotes.

Submission:

Labcorp Genetics (formerly Invitae), Labcorp
Classification: Uncertain significance. Last evaluated: 2022-09-23. Review status: criteria provided, single submitter. Criteria: Invitae Variant Classification Sherloc (09022015). Collection method: clinical testing. Allele origin: germline.
Comment: This sequence change replaces alanine, which is neutral and non-polar, with valine, which is neutral and non-polar, at codon 1001 of the PTPN23 protein (p.Ala1001Val). This variant is present in population databases (rs771632590, gnomAD 0.003%). This variant has not been reported in the literature in individuals affected with PTPN23-related conditions. ClinVar contains an entry for this variant (Variation ID: 1407981). Algorithms developed to predict the effect of missense changes on protein structure and function output the following: SIFT: "Tolerated"; PolyPhen-2: "Not Available"; Align-GVGD: "Class C0". The valine amino acid residue is found in multiple mammalian species, which suggests that this missense change does not adversely affect protein function. In summary, the available evidence is currently insufficient to determine the role of this variant in disease. Therefore, it has been classified as a Variant of Uncertain Significance.